The following is an entry in ClinVar:

ClinVar aggregate classification (germline): Pathogenic (1 of 4 stars; one submission).

Conditions:
Primary ciliary dyskinesia 3. Identifiers: Orphanet 244, MedGen C1837618, MONDO:0012085, OMIM 608644.

Submission:

Myriad Genetics, Inc.
Classification: Pathogenic for Primary ciliary dyskinesia 3. Last evaluated: 2024-05-14. Review status: criteria provided, single submitter. Criteria: Myriad Autosomal Dominant, Autosomal Recessive and X-Linked Classification Criteria (2023). Collection method: clinical testing. Allele origin: unknown.
Comment: NM_001369.2(DNAH5):c.3840_3843del4ins18(Y1281Dfs*15) is expected to be pathogenic in the context of primary ciliary dyskinesia, DNAH5-related. This variant is predicted to lead to an abnormal or absent protein product due to the creation of a premature termination codon in DNAH5, a gene where loss-of-function variants are known to be pathogenic. Please note: this variant was assessed in the context of healthy population screening.

NM_001369.3(DNAH5):c.3840_3843delinsAGATGTGTATAAGAGACA (p.Tyr1281fs)

Genes: DNAH5 (dynein axonemal heavy chain 5; minus strand), DNAH5-AS1 (DNAH5 antisense RNA 1; plus strand). Cytogenetic location: 5p15.2.
Variant type: Indel.
Coding change: c.3840_3843delinsAGATGTGTATAAGAGACA on transcript NM_001369.3 (MANE Select); coding-DNA positions 3840 to 3843, TTAT replaced by AGATGTGTATAAGAGACA.
Protein change: p.Tyr1281fs; shifts the reading frame from tyrosine 1281.
Molecular consequence: frameshift variant.
Genome position (GRCh38, 1-based): chr5:13,867,984-13,867,987, ATAA replaced by TGTCTCTTATACACATCT on the plus strand (TTAT replaced by AGATGTGTATAAGAGACA on the coding strand, the reverse complement: DNAH5 is on the minus strand). VCF-style: chr5-13867984-ATAA-TGTCTCTTATACACATCT. GRCh37 (hg19) VCF-style: chr5-13868093-ATAA-TGTCTCTTATACACATCT.
Other names: short protein forms Y1281fs.
Identifiers: ClinVar variation 5010750 (VCV005010750.1).